The following is an entry in ClinVar:

ClinVar aggregate classification (germline): Likely benign (0 of 4 stars; one submission).

Conditions:
ITIH6-related disorder. Also called: ITIH6-related condition.

Allele frequency attached by ClinVar (database versions not stated): gnomAD 0.00005; TOPMed 0.00012; ExAC 0.00031.
gnomAD v4.1: 61 of 1,202,711 alleles (0.0051%); highest among the groups gnomAD compares: Admixed American, 0.14%; no homozygotes.

Submission:

PreventionGenetics, part of Exact Sciences
Classification: Likely benign for ITIH6-related condition. Last evaluated: 2022-07-14. Review status: no assertion criteria provided. Collection method: clinical testing. Allele origin: germline.
Comment: This variant is classified as likely benign based on ACMG/AMP sequence variant interpretation guidelines (Richards et al. 2015 PMID: 25741868, with internal and published modifications).

NM_198510.3(ITIH6):c.3942A>T (p.Ter1314Cys)

Gene: ITIH6 (inter-alpha-trypsin inhibitor heavy chain family member 6; minus strand). Cytogenetic location: Xp11.22.
Variant type: single nucleotide variant.
Coding change: c.3942A>T on transcript NM_198510.3 (MANE Select); coding-DNA position 3942, A replaced by T.
Protein change: p.Ter1314Cys.
Molecular consequence: stop lost.
Genome position (GRCh38, 1-based): chrX:54,749,895, T>A on the plus strand (A>T on the coding strand, the complement: ITIH6 is on the minus strand). VCF-style: chrX-54749895-T-A. GRCh37 (hg19) VCF-style: chrX-54776328-T-A.
Identifiers: ClinVar variation 3054524 (VCV003054524.2), dbSNP rs752952937, ClinGen allele CA10425781.